The following is an entry in ClinVar:

NM_001330078.2(NRXN1):c.518C>T (p.Ser173Leu)

Gene: NRXN1 (neurexin 1; minus strand). Cytogenetic location: 2p16.3.
Variant type: single nucleotide variant.
Coding change: c.518C>T on transcript NM_001330078.2 (MANE Select); coding-DNA position 518, C replaced by T.
Protein change: p.Ser173Leu; replaces serine 173 with leucine.
Molecular consequence: missense variant.
Genome position (GRCh38, 1-based): chr2:51,027,756, G>A on the plus strand (C>T on the coding strand, the complement: NRXN1 is on the minus strand). VCF-style: chr2-51027756-G-A. GRCh37 (hg19) VCF-style: chr2-51254894-G-A.
Other names: c.518C>T, p.Ser173Leu (NM_001135659.3, NM_001330077.2, NM_001330079.2 and 15 more transcripts); short protein forms S173L.
Identifiers: ClinVar variation 643013 (VCV000643013.10), dbSNP rs775907305, ClinGen allele CA1655465.

ClinVar aggregate classification (germline): Uncertain significance. Review status: criteria provided, multiple submitters, no conflicts (2 of 4 stars). 2 submissions from 2 submitters: Uncertain significance (2). Last evaluated 2026-01-26.

Conditions:
Pitt-Hopkins-like syndrome 2 (PTHSL2). Identifiers: Orphanet 221150, Orphanet 600663, MedGen C3280479, MONDO:0013690, OMIM 614325.

Allele frequency attached by ClinVar (database versions not stated): gnomAD exomes 0.00005; ExAC 0.00003.
gnomAD v4.1: 16 of 1,612,112 alleles (0.00099%); highest among the groups gnomAD compares: Admixed American, 0.017%; no homozygotes.

Submissions (2):

Labcorp Genetics (formerly Invitae), Labcorp
Classification: Uncertain significance for Pitt-Hopkins-like syndrome 2. Last evaluated: 2026-01-26. Review status: criteria provided, single submitter. Criteria: Invitae Variant Classification Sherloc (09022015). Collection method: clinical testing. Allele origin: germline.
Comment: This sequence change replaces serine, which is neutral and polar, with leucine, which is neutral and non-polar, at codon 173 of the NRXN1 protein (p.Ser173Leu). This variant is present in population databases (rs775907305, gnomAD 0.03%). This variant has not been reported in the literature in individuals affected with NRXN1-related conditions. ClinVar contains an entry for this variant (Variation ID: 643013). An algorithm developed to predict the effect of missense changes on protein structure and function (PolyPhen-2) suggests that this variant is likely to be tolerated. In summary, the available evidence is currently insufficient to determine the role of this variant in disease. Therefore, it has been classified as a Variant of Uncertain Significance.

GeneDx
Classification: Uncertain significance. Last evaluated: 2022-11-29. Review status: criteria provided, single submitter. Criteria: GeneDx Variant Classification Process June 2021. Collection method: clinical testing. Allele origin: germline. Affected: yes.
Comment: Has not been previously published as pathogenic or benign to our knowledge; In silico analysis supports that this missense variant has a deleterious effect on protein structure/function; Missense variant in a gene in which most reported pathogenic variants are truncating/loss of function